The following is an entry in ClinVar:

ClinVar aggregate classification (germline): Likely pathogenic (1 of 4 stars; one submission).

Conditions:
Rubinstein-Taybi syndrome due to CREBBP mutations (RSTS1). Also called: RUBINSTEIN-TAYBI SYNDROME 1, INCOMPLETE; BROAD THUMB-HALLUX SYNDROME; RUBINSTEIN SYNDROME; Rubinstein-Taybi syndrome 1; CREBBP-Related Rubinstein-Taybi Syndrome; BROAD THUMBS AND GREAT TOES, CHARACTERISTIC FACIES, AND IMPAIRED INTELLECTUAL DEVELOPMENT. Identifiers: Orphanet 353277, Orphanet 783, MedGen C4551859, MONDO:0008393, OMIM 180849.

Submission:

MVZ Medizinische Genetik Mainz
Classification: Likely pathogenic for Rubinstein-Taybi syndrome due to CREBBP mutations. Last evaluated: 2023-04-14. Review status: criteria provided, single submitter. Criteria: UK Practice Guidelines For Variant Classification V4 01 2020. Collection method: clinical testing. Allele origin: germline. Inheritance: Autosomal dominant inheritance. Affected: yes. Observed: 1 variant allele.
Comment: ACMG Criteria: PVS1,PM2_SUP

NM_004380.3(CREBBP):c.3374_3377dup (p.Phe1126fs)

Gene: CREBBP (CREB binding lysine acetyltransferase; minus strand). Cytogenetic location: 16p13.3.
Variant type: Duplication.
Coding change: c.3374_3377dup on transcript NM_004380.3 (MANE Select); coding-DNA positions 3374 to 3377, 4 bases duplicated (ATTT; older notation c.3374_3377dupATTT).
Protein change: p.Phe1126fs; shifts the reading frame from phenylalanine 1126.
Molecular consequence: frameshift variant.
Genome position (GRCh38, 1-based): chr16:3,758,041-3,758,044, AAAT duplicated on the plus strand (ATTT on the coding strand, the reverse complement: CREBBP is on the minus strand); duplicating any 4 consecutive bases within chr16:3,758,041-3,758,045 gives the same sequence; the c. name uses the placement nearest the transcript's 3' end. VCF-style (leftmost placement, unchanged base first): chr16-3758040-A-AAAAT. GRCh37 (hg19) VCF-style: chr16-3808041-A-AAAAT.
Other names: c.3260_3263dup, p.Phe1088fs (NM_001079846.1); short protein forms F1088fs, F1126fs.
Identifiers: ClinVar variation 3066176 (VCV003066176.1), dbSNP rs2548392468, ClinGen allele CA2740097879.